The following is an entry in ClinVar:

NM_001184.4(ATR):c.4478C>T (p.Ser1493Phe)

Gene: ATR (ATR checkpoint kinase; minus strand). Cytogenetic location: 3q23.
Variant type: single nucleotide variant.
Coding change: c.4478C>T on transcript NM_001184.4 (MANE Select); coding-DNA position 4478, C replaced by T.
Protein change: p.Ser1493Phe; replaces serine 1493 with phenylalanine.
Molecular consequence: missense variant.
Genome position (GRCh38, 1-based): chr3:142,515,420, G>A on the plus strand (C>T on the coding strand, the complement: ATR is on the minus strand). VCF-style: chr3-142515420-G-A. GRCh37 (hg19) VCF-style: chr3-142234262-G-A.
Other names: c.4286C>T, p.Ser1429Phe (NM_001354579.2); short protein forms S1493F, S1429F.
Identifiers: ClinVar variation 2091947 (VCV002091947.4), dbSNP rs1208902382, ClinGen allele CA354797836.

ClinVar aggregate classification (germline): Uncertain significance (1 of 4 stars; one submission).

Submission:

Labcorp Genetics (formerly Invitae), Labcorp
Classification: Uncertain significance. Last evaluated: 2022-02-02. Review status: criteria provided, single submitter. Criteria: Invitae Variant Classification Sherloc (09022015). Collection method: clinical testing. Allele origin: germline.
Comment: In summary, the available evidence is currently insufficient to determine the role of this variant in disease. Therefore, it has been classified as a Variant of Uncertain Significance. Algorithms developed to predict the effect of missense changes on protein structure and function are either unavailable or do not agree on the potential impact of this missense change (SIFT: "Tolerated"; PolyPhen-2: "Possibly Damaging"; Align-GVGD: "Class C0"). This variant has not been reported in the literature in individuals affected with ATR-related conditions. This variant is not present in population databases (gnomAD no frequency). This sequence change replaces serine, which is neutral and polar, with phenylalanine, which is neutral and non-polar, at codon 1493 of the ATR protein (p.Ser1493Phe).